The following is an entry in ClinVar:

NM_144672.4(OTOA):c.412ATC[2] (p.Ile140del)

Gene: OTOA (otoancorin). Cytogenetic location: 16p12.2.
Variant type: Microsatellite.
Coding change: c.412ATC[2] on transcript NM_144672.4 (MANE Select); two copies in a row of the 3-base unit ATC starting at c.412.
Protein change: p.Ile140del; deletes isoleucine 140.
Genome position: GRCh38 VCF-style: chr16-21687423-ACAT-A. GRCh37 (hg19) VCF-style: chr16-21698744-ACAT-A.
Other names: c.175ATC[2], p.Ile61del (NM_001161683.2); short protein forms I140del, I61del.
Identifiers: ClinVar variation 3372915 (VCV003372915.2).

ClinVar aggregate classification (germline): Uncertain significance. Review status: criteria provided, multiple submitters, no conflicts (2 of 4 stars). 2 submissions from 2 submitters: Uncertain significance (2). Last evaluated 2024-05-02.

Submissions (2):

GeneDx
Classification: Uncertain significance. Last evaluated: 2024-05-02. Review status: criteria provided, single submitter. Criteria: GeneDx Variant Classification Process June 2021. Collection method: clinical testing. Allele origin: germline. Affected: yes.
Comment: In-frame deletion of one amino acid in a non-repeat region; In silico analysis indicates that this variant does not alter protein structure/function; Has not been previously published as pathogenic or benign to our knowledge

Blueprint Genetics
Classification: Uncertain significance. Last evaluated: 2019-12-26. Review status: criteria provided, single submitter. Criteria: ACMG Guidelines, 2015. Collection method: clinical testing. Allele origin: germline.